The following is an entry in ClinVar:

ClinVar aggregate classification (germline): Likely benign (1 of 4 stars; one submission).

Conditions:
NOTCH2-related disorder. Also called: NOTCH2-related condition.

gnomAD v4.1: 23 of 1,613,650 alleles (0.0014%); highest among the groups gnomAD compares: Non-Finnish European, 0.0019%; no homozygotes.

Submission:

PreventionGenetics, part of Exact Sciences
Classification: Likely benign for NOTCH2-related condition. Last evaluated: 2025-09-02. Review status: criteria provided, single submitter. Criteria: ACMG Guidelines, 2015. Collection method: clinical testing. Allele origin: germline.
Comment: This variant is classified as likely benign based on ACMG/AMP sequence variant interpretation guidelines (Richards et al. 2015 PMID: 25741868, with internal and published modifications).

NM_024408.4(NOTCH2):c.2220-10C>G

Gene: NOTCH2 (notch receptor 2; minus strand). Cytogenetic location: 1p12.
Variant type: single nucleotide variant.
Coding change: c.2220-10C>G on transcript NM_024408.4 (MANE Select); 10 bases into the intron before coding-DNA position 2220, C replaced by G.
Molecular consequence: intron variant.
Genome position (GRCh38, 1-based): chr1:119,953,698, G>C on the plus strand (C>G on the coding strand, the complement: NOTCH2 is on the minus strand). VCF-style: chr1-119953698-G-C. GRCh37 (hg19) VCF-style: chr1-120496321-G-C.
Other names: c.2220-10C>G (NM_001200001.2).
Identifiers: ClinVar variation 4990502 (VCV004990502.1).